The following is an entry in ClinVar:

NM_001127511.3(APC):c.21G>A (p.Ser7=)

Gene: APC (APC regulator of Wnt signaling pathway; plus strand). Cytogenetic location: 5q22.2.
Variant type: single nucleotide variant.
Coding change: c.21G>A on transcript NM_001127511.3; coding-DNA position 21, G replaced by A.
Protein change: p.Ser7=; no amino-acid change (serine 7 retained).
Molecular consequence: synonymous variant. On other transcripts: 5 prime UTR variant (8), non-coding transcript variant (1), intron variant (5).
Genome position (GRCh38, 1-based): chr5:112,707,738, G>A. VCF-style: chr5-112707738-G-A. GRCh37 (hg19) VCF-style: chr5-112043435-G-A.
Other names: c.-163G>A (NM_001407447.1, NM_001407452.1, NM_001407456.1 and 3 more transcripts); c.-1198G>A (NM_001407470.1, NM_001407472.1); c.-19+89G>A (NM_001407448.1, NM_001407450.1, NM_001407457.1 and 1 more transcripts); c.-43+89G>A (NM_001407453.1); c.21G>A, p.Ser7= (NM_001354897.2, NM_001354902.2, NM_001407446.1).
Identifiers: ClinVar variation 2896524 (VCV002896524.3), dbSNP rs2149630537, ClinGen allele CA2709971465.
Genomic context (GRCh38, chr5:112,707,738, plus strand): 5'-GTGAAGCACTCAGTTGCCTTCTCGGGCCTCGGCGCCCCCTATGTACGCCTCCCTGGGCTC[G>A]GGTCCGGTCGCCCCTTTGCCCGCTTCTGTACCACCCTCAGTTCTCGGGTCCTGGAGCACC-3'

ClinVar aggregate classification (germline): Uncertain significance (1 of 4 stars; one submission).

Conditions:
Familial adenomatous polyposis 1 (FAP1). Also called: FAMILIAL ADENOMATOUS POLYPOSIS 1, ATTENUATED; POLYPOSIS, ADENOMATOUS INTESTINAL. Identifiers: MedGen C2713442, MONDO:0021056, OMIM 175100. Disease mechanism: loss of function.

Submission:

Labcorp Genetics (formerly Invitae), Labcorp
Classification: Uncertain significance for Familial adenomatous polyposis 1. Last evaluated: 2023-02-06. Review status: criteria provided, single submitter. Criteria: Invitae Variant Classification Sherloc (09022015). Collection method: clinical testing. Allele origin: germline.
Comment: This variant occurs in the APC gene, which encodes an RNA molecule that does not result in a protein product. This variant is not present in population databases (gnomAD no frequency). This variant has not been reported in the literature in individuals affected with APC-related conditions. Experimental studies and prediction algorithms are not available or were not evaluated, and the functional significance of this variant is currently unknown. In summary, the available evidence is currently insufficient to determine the role of this variant in disease. Therefore, it has been classified as a Variant of Uncertain Significance.